The following is an entry in ClinVar:

ClinVar aggregate classification (germline): Uncertain significance (1 of 4 stars; one submission).

Conditions:
Familial thoracic aortic aneurysm and aortic dissection (TAAD). Also called: Thoracic aortic aneurysms and dissections. Identifiers: Orphanet 91387, MedGen C4707243, MONDO:0019625.

Submission:

Color Diagnostics, LLC DBA Color Health
Classification: Uncertain significance for Familial thoracic aortic aneurysm and aortic dissection. Last evaluated: 2025-07-28. Review status: criteria provided, single submitter. Criteria: ACMG Guidelines, 2015. Collection method: clinical testing. Allele origin: germline.
Comment: This missense variant replaces isoleucine with methionine at codon 1892 of the FBN1 protein. Computational prediction is inconclusive regarding the impact of this variant on protein structure and function. To our knowledge, functional studies have not been reported for this variant. This variant has not been reported in individuals affected with FBN1-related disorders in the literature. This variant has been identified in 1/250898 chromosomes in the general population by the Genome Aggregation Database (gnomAD). The available evidence is insufficient to determine the role of this variant in disease conclusively. Therefore, this variant is classified as a Variant of Uncertain Significance.

NM_000138.5(FBN1):c.5676A>G (p.Ile1892Met)

Gene: FBN1 (fibrillin 1; minus strand). Cytogenetic location: 15q21.1.
Variant type: single nucleotide variant.
Coding change: c.5676A>G on transcript NM_000138.5 (MANE Select); coding-DNA position 5676, A replaced by G.
Protein change: p.Ile1892Met; replaces isoleucine 1892 with methionine.
Molecular consequence: missense variant.
Genome position (GRCh38, 1-based): chr15:48,446,818, T>C on the plus strand (A>G on the coding strand, the complement: FBN1 is on the minus strand). VCF-style: chr15-48446818-T-C. GRCh37 (hg19) VCF-style: chr15-48739015-T-C.
Other names: c.5676A>G, p.Ile1892Met (NM_001406716.1); short protein forms I1892M.
Identifiers: ClinVar variation 4758462 (VCV004758462.1).